The following is an entry in ClinVar:

NM_014244.5(ADAMTS2):c.132_133insTGTCTCTTATA (p.Pro45fs)

Gene: ADAMTS2 (ADAM metallopeptidase with thrombospondin type 1 motif 2; minus strand). Cytogenetic location: 5q35.3.
Variant type: Insertion.
Coding change: c.132_133insTGTCTCTTATA on transcript NM_014244.5 (MANE Select); coding-DNA positions 132 to 133, TGTCTCTTATA inserted.
Protein change: p.Pro45fs; shifts the reading frame from proline 45.
Molecular consequence: frameshift variant.
Genome position: GRCh38 VCF-style: chr5-179345196-G-GTATAAGAGACA. GRCh37 (hg19) VCF-style: chr5-178772197-G-GTATAAGAGACA.
Other names: c.132_133insTGTCTCTTATA, p.Pro45fs (NM_021599.4); short protein forms P45fs.
Identifiers: ClinVar variation 5011393 (VCV005011393.1).

ClinVar aggregate classification (germline): Pathogenic (1 of 4 stars; one submission).

Conditions:
Ehlers-Danlos syndrome, dermatosparaxis type. Also called: EDS VIIC; Dermatosparaxis; Ehlers-Danlos syndrome, type VII, autosomal recessive. Identifiers: Orphanet 1901, MedGen C2700425, MONDO:0009161, OMIM 225410.

Submission:

Myriad Genetics, Inc.
Classification: Pathogenic for Ehlers-Danlos syndrome, dermatosparaxis type. Last evaluated: 2023-08-19. Review status: criteria provided, single submitter. Criteria: Myriad Autosomal Dominant, Autosomal Recessive and X-Linked Classification Criteria (2023). Collection method: clinical testing. Allele origin: unknown.
Comment: NM_014244.4(ADAMTS2):c.132_133ins11(P45Cfs*124) is expected to be pathogenic in the context of Ehlers-Danlos syndrome, ADAMTS2-related. This variant is predicted to lead to an abnormal or absent protein product due to the creation of a premature termination codon in ADAMTS2, a gene where loss-of-function variants are known to be pathogenic. Please note: this variant was assessed in the context of healthy population screening.